The following is an entry in ClinVar:

ClinVar aggregate classification (germline): Uncertain significance (1 of 4 stars; one submission).

Conditions:
Intellectual developmental disorder, autosomal dominant 1. Also called: MBD5 Haploinsufficiency; Intellectual disability, autosomal dominant 1. Identifiers: Orphanet 228402, MedGen C1969562, MONDO:0007974, OMIM 156200.

Submission:

Labcorp Genetics (formerly Invitae), Labcorp
Classification: Uncertain significance for Intellectual developmental disorder, autosomal dominant 1. Last evaluated: 2025-04-14. Review status: criteria provided, single submitter. Criteria: Invitae Variant Classification Sherloc (09022015). Collection method: clinical testing. Allele origin: germline.
Comment: This sequence change replaces proline, which is neutral and non-polar, with leucine, which is neutral and non-polar, at codon 350 of the MBD5 protein (p.Pro350Leu). This variant is not present in population databases (gnomAD no frequency). This variant has not been reported in the literature in individuals affected with MBD5-related conditions. Invitae Evidence Modeling of protein sequence and biophysical properties (such as structural, functional, and spatial information, amino acid conservation, physicochemical variation, residue mobility, and thermodynamic stability) indicates that this missense variant is not expected to disrupt MBD5 protein function with a negative predictive value of 80%. In summary, the available evidence is currently insufficient to determine the role of this variant in disease. Therefore, it has been classified as a Variant of Uncertain Significance.

NM_001378120.1(MBD5):c.1049C>T (p.Pro350Leu)

Gene: MBD5 (methyl-CpG binding domain protein 5; plus strand). Cytogenetic location: 2q23.1.
Variant type: single nucleotide variant.
Coding change: c.1049C>T on transcript NM_001378120.1 (MANE Select); coding-DNA position 1049, C replaced by T.
Protein change: p.Pro350Leu; replaces proline 350 with leucine.
Molecular consequence: missense variant.
Genome position (GRCh38, 1-based): chr2:148,468,992, C>T. VCF-style: chr2-148468992-C-T. GRCh37 (hg19) VCF-style: chr2-149226561-C-T.
Other names: c.1049C>T, p.Pro350Leu (NM_001438860.1, NM_001438861.1, NM_001438862.1 and 7 more transcripts); short protein forms P350L.
Identifiers: ClinVar variation 4781130 (VCV004781130.1).